The following is an entry in ClinVar:

ClinVar aggregate classification (germline): Uncertain significance (1 of 4 stars; one submission).

Allele frequency attached by ClinVar (database versions not stated): gnomAD exomes 0.00004; ExAC 0.00007; TOPMed 0.00023; gnomAD 0.00024 and 0.00029; 1000 Genomes Project 0.00040; 1000 Genomes Project 30x 0.00047.
gnomAD v4.1: 83 of 1,613,980 alleles (0.0051%); highest among the groups gnomAD compares: African/African-American, 0.097%; no homozygotes.

Submission:

Labcorp Genetics (formerly Invitae), Labcorp
Classification: Uncertain significance. Last evaluated: 2025-11-17. Review status: criteria provided, single submitter. Criteria: Invitae Variant Classification Sherloc (09022015). Collection method: clinical testing. Allele origin: germline.
Comment: This sequence change replaces valine, which is neutral and non-polar, with isoleucine, which is neutral and non-polar, at codon 204 of the GCKR protein (p.Val204Ile). This variant is present in population databases (rs181476157, gnomAD 0.08%), and has an allele count higher than expected for a pathogenic variant. This missense change has been observed in individual(s) with dyslipidemia (PMID: 32041611, 36325899). ClinVar contains an entry for this variant (Variation ID: 1515312). Invitae Evidence Modeling of protein sequence and biophysical properties (such as structural, functional, and spatial information, amino acid conservation, physicochemical variation, residue mobility, and thermodynamic stability) has been performed for this missense variant. However, the output from this modeling did not meet the statistical confidence thresholds required to predict the impact of this variant on GCKR protein function. In summary, the available evidence is currently insufficient to determine the role of this variant in disease. Therefore, it has been classified as a Variant of Uncertain Significance.

Literature cited by the submitters: PubMed 32041611; PubMed 36325899.

NM_001486.4(GCKR):c.610G>A (p.Val204Ile)

Gene: GCKR (glucokinase regulator; plus strand). Cytogenetic location: 2p23.3.
Variant type: single nucleotide variant.
Coding change: c.610G>A on transcript NM_001486.4 (MANE Select); coding-DNA position 610, G replaced by A.
Protein change: p.Val204Ile; replaces valine 204 with isoleucine.
Molecular consequence: missense variant.
Genome position (GRCh38, 1-based): chr2:27,501,195, G>A. VCF-style: chr2-27501195-G-A. GRCh37 (hg19) VCF-style: chr2-27724062-G-A.
Other names: short protein forms V204I.
Identifiers: ClinVar variation 1515312 (VCV001515312.6), dbSNP rs181476157, ClinGen allele CA1581637.